The following is an entry in ClinVar:

NM_144997.7(FLCN):c.1255G>A (p.Gly419Arg)

Gene: FLCN (folliculin; minus strand). Cytogenetic location: 17p11.2.
Variant type: single nucleotide variant.
Coding change: c.1255G>A on transcript NM_144997.7 (MANE Select); coding-DNA position 1255, G replaced by A.
Protein change: p.Gly419Arg; replaces glycine 419 with arginine.
Molecular consequence: missense variant.
Genome position (GRCh38, 1-based): chr17:17,216,425, C>T on the plus strand (G>A on the coding strand, the complement: FLCN is on the minus strand). VCF-style: chr17-17216425-C-T. GRCh37 (hg19) VCF-style: chr17-17119739-C-T.
Other names: c.1309G>A, p.Gly437Arg (NM_001353229.2); c.1255G>A, p.Gly419Arg (NM_001353230.2, NM_001353231.2); short protein forms G419R, G437R.
Identifiers: ClinVar variation 4257921 (VCV004257921.1).

ClinVar aggregate classification (germline): Uncertain significance (1 of 4 stars; one submission).

Conditions:
Hereditary cancer-predisposing syndrome. Also called: Hereditary Cancer Syndrome; Hereditary neoplastic syndrome; Neoplastic Syndromes, Hereditary; Tumor predisposition. Identifiers: Orphanet 140162, MedGen C0027672, MeSH D009386, MONDO:0015356.

gnomAD v4.1: 1 of 1,613,832 alleles (0.000062%); highest among the groups gnomAD compares: Admixed American, 0.0017%; no homozygotes.

Submission:

Ambry Genetics
Classification: Uncertain significance for Hereditary cancer-predisposing syndrome. Last evaluated: 2025-07-15. Review status: criteria provided, single submitter. Criteria: Ambry Variant Classification Scheme 2023. Collection method: clinical testing. Allele origin: germline.
Comment: The p.G419R variant (also known as c.1255G>A), located in coding exon 8 of the FLCN gene, results from a G to A substitution at nucleotide position 1255. The glycine at codon 419 is replaced by arginine, an amino acid with dissimilar properties. This amino acid position is highly conserved in available vertebrate species. In addition, this alteration is predicted to be deleterious by in silico analysis. Based on the available evidence, the clinical significance of this variant remains unclear.